The following is an entry in ClinVar:

NM_001014.5(RPS10):c.1-18A>G

Genes: RPS10 (ribosomal protein S10; minus strand), RPS10-NUDT3 (RPS10-NUDT3 readthrough; minus strand). Cytogenetic location: 6p21.31.
Variant type: single nucleotide variant.
Coding change: c.1-18A>G on transcript NM_001014.5 (MANE Select); 18 bases into the intron before coding-DNA position 1, A replaced by G.
Molecular consequence: intron variant.
Genome position (GRCh38, 1-based): chr6:34,425,239, T>C on the plus strand (A>G on the coding strand, the complement: RPS10 is on the minus strand). VCF-style: chr6-34425239-T-C. GRCh37 (hg19) VCF-style: chr6-34393016-T-C.
Other names: c.1-18A>G (NM_001202470.3, NM_001204091.2, NM_001203245.3).
Identifiers: ClinVar variation 516588 (VCV000516588.5), dbSNP rs115481077, ClinGen allele CA3765153.
Genomic context (GRCh38, chr6:34,425,239, plus strand): 5'-GGAGTTCATAAATGGCAATCCGGTTCTTCTTAGGCATCAACATCTGCAAGAAGGAGACGA[T>C]TGTCAAGAGCACTTCTGAGTAACGAGGCCGGGGCCCGGTAATCAAGTTCTTGATCCTAAA-3'

ClinVar aggregate classification (germline): Benign/Likely benign. Review status: criteria provided, multiple submitters, no conflicts (2 of 4 stars). 5 submissions from 5 submitters: Benign (1); Likely benign (4). Last evaluated 2024-11-20.

Conditions:
Diamond-Blackfan anemia 9 (DBA9). Also called: RPS10-Related Diamond-Blackfan Anemia. Identifiers: Orphanet 124, MedGen C2750081, MONDO:0013216, OMIM 613308.

Allele frequency attached by ClinVar (database versions not stated): gnomAD exomes 0.00534; 1000 Genomes Project 30x 0.00718; 1000 Genomes Project 0.00739; ESP Exome Variant Server 0.00784; TOPMed 0.00840; gnomAD 0.00865 and 0.00891; ExAC 0.00910.
gnomAD v4.1: 5,213 of 1,596,976 alleles (0.33%); highest among the groups gnomAD compares: Middle Eastern, 2.1%; 31 homozygotes.

Submissions (5):

Blueprint Genetics
Classification: Likely benign. Last evaluated: 2024-11-20. Review status: criteria provided, single submitter. Criteria: ACMG Guidelines, 2015. Collection method: clinical testing. Allele origin: germline.

ARUP Laboratories, Molecular Genetics and Genomics, ARUP Laboratories
Classification: Benign for Diamond-Blackfan anemia 9. Last evaluated: 2024-10-16. Review status: criteria provided, single submitter. Criteria: ARUP Molecular Germline Variant Investigation Process 2024. Collection method: clinical testing. Allele origin: germline.

Fulgent Genetics
Classification: Likely benign for Diamond-Blackfan anemia 9. Last evaluated: 2021-10-12. Review status: criteria provided, single submitter. Criteria: ACMG Guidelines, 2015. Collection method: clinical testing. Allele origin: unknown.

GeneDx
Classification: Likely benign. Last evaluated: 2017-10-06. Review status: criteria provided, single submitter. Criteria: GeneDx Variant Classification (06012015). Collection method: clinical testing. Allele origin: germline. Affected: yes.
Comment: This variant is considered likely benign or benign based on one or more of the following criteria: it is a conservative change, it occurs at a poorly conserved position in the protein, it is predicted to be benign by multiple in silico algorithms, and/or has population frequency not consistent with disease.

Breakthrough Genomics
Classification: Likely benign. Review status: criteria provided, single submitter. Criteria: ACMG Guidelines, 2015. Collection method: not provided. Allele origin: germline. Inheritance: Autosomal dominant inheritance. Affected: yes.